The following is an entry in ClinVar:

NM_017947.4(MOCOS):c.2648A>G (p.His883Arg)

Gene: MOCOS (molybdenum cofactor sulfurase; plus strand). Cytogenetic location: 18q12.2.
Variant type: single nucleotide variant.
Coding change: c.2648A>G on transcript NM_017947.4 (MANE Select); coding-DNA position 2648, A replaced by G.
Protein change: p.His883Arg; replaces histidine 883 with arginine.
Molecular consequence: missense variant.
Genome position (GRCh38, 1-based): chr18:36,268,666, A>G. VCF-style: chr18-36268666-A-G. GRCh37 (hg19) VCF-style: chr18-33848629-A-G.
Other names: short protein forms H883R.
Identifiers: ClinVar variation 2505047 (VCV002505047.1), dbSNP rs2510988904, ClinGen allele CA402291756.

ClinVar aggregate classification (germline): Uncertain significance (1 of 4 stars; one submission).

Allele frequency attached by ClinVar (database versions not stated): gnomAD exomes below 0.00001.
gnomAD v4.1: 1 of 1,611,564 alleles (0.000062%); highest among the groups gnomAD compares: South Asian, 0.0011%; no homozygotes.

Submission:

GeneDx
Classification: Uncertain significance. Last evaluated: 2022-12-06. Review status: criteria provided, single submitter. Criteria: GeneDx Variant Classification Process June 2021. Collection method: clinical testing. Allele origin: germline. Affected: yes.
Comment: Not observed at significant frequency in large population cohorts (gnomAD); In silico analysis supports that this missense variant does not alter protein structure/function; Has not been previously published as pathogenic or benign to our knowledge